The following is an entry in ClinVar:

NM_000059.4(BRCA2):c.2654del (p.Asp885fs)

Gene: BRCA2 (BRCA2 DNA repair associated; plus strand). Cytogenetic location: 13q13.1.
Variant type: Deletion.
Coding change: c.2654del on transcript NM_000059.4 (MANE Select); coding-DNA position 2654, one base deleted (A; older notation c.2654delA).
Protein change: p.Asp885fs; shifts the reading frame from aspartic acid 885.
Molecular consequence: frameshift variant.
Genome position (GRCh38, 1-based): chr13:32,337,009, A deleted. VCF-style (leftmost placement, unchanged base first): chr13-32337008-GA-G. GRCh37 (hg19) VCF-style: chr13-32911145-GA-G.
Other names: short protein forms D885fs.
Identifiers: ClinVar variation 1427686 (VCV001427686.8), dbSNP rs2137488622, ClinGen allele CA483437048.
Genomic context (GRCh38, chr13:32,337,008, plus strand): 5'-GAAGAAACTACTTCAATTTCAAAAATAACTGTCAATCCAGACTCTGAAGAACTTTTCTCA[GA>G]CAATGAGAATAATTTTGTCTTCCAAGTAGCTAATGAAAGGAATAATCTTGCTTTAGGAAA-3'

ClinVar aggregate classification (germline): Pathogenic. Review status: criteria provided, multiple submitters, no conflicts (2 of 4 stars). 3 submissions from 3 submitters: Pathogenic (3). Last evaluated 2024-02-05.

Conditions:
Hereditary cancer-predisposing syndrome. Also called: Hereditary neoplastic syndrome; Tumor predisposition; Hereditary Cancer Syndrome; Neoplastic Syndromes, Hereditary. Identifiers: Orphanet 140162, MedGen C0027672, MeSH D009386, MONDO:0015356.
Breast-ovarian cancer, familial, susceptibility to, 2 (BROVCA2). Also called: BRCA2 Hereditary Breast and Ovarian Cancer. Identifiers: Orphanet 145, MedGen C2675520, MONDO:0012933, OMIM 612555. Disease mechanism: loss of function.
Hereditary breast ovarian cancer syndrome. Also called: BRCA1- and BRCA2-Associated Hereditary Breast and Ovarian Cancer; Breast and ovarian cancer; Hereditary breast and ovarian cancer syndrome; Hereditary breast and ovarian cancer syndrome (HBOC); Hereditary breast and/or ovarian cancer syndrome; Hereditary breast and ovarian cancer. Identifiers: Orphanet 145, MedGen C0677776, MeSH D061325, MONDO:0003582. Disease mechanism: loss of function.

Submissions (3):

Color Diagnostics, LLC DBA Color Health
Classification: Pathogenic for Hereditary cancer-predisposing syndrome. Last evaluated: 2024-02-05. Review status: criteria provided, single submitter. Criteria: ACMG Guidelines, 2015. Collection method: clinical testing. Allele origin: germline.
Comment: This variant deletes 1 nucleotide in exon 11 of the BRCA2 gene, creating a frameshift and premature translation stop signal. This variant is expected to result in an absent or non-functional protein product. To our knowledge, this variant has not been reported in individuals affected with BRCA2-related disorders in the literature. This variant has not been identified in the general population by the Genome Aggregation Database (gnomAD). Loss of BRCA2 function is a known mechanism of disease. Based on the available evidence, this variant is classified as Pathogenic.

All of Us Research Program, National Institutes of Health
Classification: Pathogenic for Breast-ovarian cancer, familial, susceptibility to, 2. Last evaluated: 2023-11-14. Review status: criteria provided, single submitter. Criteria: ACMG Guidelines, 2015. Collection method: clinical testing. Allele origin: germline. Inheritance: Autosomal dominant inheritance. Observed: 1 variant allele, 1 heterozygote.
Comment: The c.2654del (p.Asp885Alafs*10) variant in the BRCA2 gene is located on the exon 11 and is predicted to cause shift of reading frame that introduces a premature translation termination codon (p.Asp885Alafs*10), resulting in an absent or disrupted protein product. Loss-of-function variants of BRCA2 are known to be pathogenic (PMID: 8988179, 11897832, 29446198). The variant is reported in ClinVar (ID: 1427686). The variant is absent in the general population database (gnomAD). Therefore, the c.2654del (p.Asp885Alafs*10) variant of BRCA2 has been classified as pathogenic.

This study involves interpretation of variants in research participants for the purpose of population health screening. Participant phenotype was not available at the time of variant classification. Additional details can be found in publication PMID: 35346344, PMCID: PMC8962531

Labcorp Genetics (formerly Invitae), Labcorp
Classification: Pathogenic for Hereditary breast ovarian cancer syndrome. Last evaluated: 2021-03-10. Review status: criteria provided, single submitter. Criteria: Invitae Variant Classification Sherloc (09022015). Collection method: clinical testing. Allele origin: germline.
Comment: For these reasons, this variant has been classified as Pathogenic. This variant has not been reported in the literature in individuals with BRCA2-related conditions. This variant is not present in population databases (ExAC no frequency). This sequence change creates a premature translational stop signal (p.Asp885Alafs*10) in the BRCA2 gene. It is expected to result in an absent or disrupted protein product. Loss-of-function variants in BRCA2 are known to be pathogenic (PMID: 20104584).

Literature cited by the submitters: PubMed 8988179 (cited by All of Us Research Program, National Institutes of Health); PubMed 11897832 (cited by All of Us Research Program, National Institutes of Health); PubMed 29446198 (cited by All of Us Research Program, National Institutes of Health); PubMed 20104584 (cited by Labcorp Genetics (formerly Invitae), Labcorp).